The following is an entry in ClinVar:

NM_005772.5(RCL1):c.370C>T (p.Gln124Ter)

Gene: RCL1 (RNA terminal phosphate cyclase like 1; plus strand). Cytogenetic location: 9p24.1.
Variant type: single nucleotide variant.
Coding change: c.370C>T on transcript NM_005772.5 (MANE Select); coding-DNA position 370, C replaced by T.
Protein change: p.Gln124Ter; replaces glutamine 124 with a stop codon.
Molecular consequence: nonsense. On other transcripts: intron variant (2).
Genome position (GRCh38, 1-based): chr9:4,827,019, C>T. VCF-style: chr9-4827019-C-T. GRCh37 (hg19) VCF-style: chr9-4827019-C-T.
Other names: c.-91+3400C>T (NM_001286700.2); c.-90-6135C>T (NM_001286699.2); short protein forms Q124*.
Identifiers: ClinVar variation 995853 (VCV000995853.3), dbSNP rs1816786087, ClinGen allele CA372823661.

ClinVar aggregate classification (germline): Pathogenic (0 of 4 stars; one submission).

Conditions:
Psychotic disorder. Also called: Psychosis. Identifiers: MedGen C0033975, MONDO:0005485, HP:0000709.

gnomAD v4.1: 3 of 1,614,050 alleles (0.00019%); highest among the groups gnomAD compares: Admixed American, 0.0017%; no homozygotes.

Submission:

Gene Discovery Core-Manton Center, Boston Children's Hospital
Classification: Pathogenic for Psychotic disorder. Last evaluated: 2020-11-05. Review status: no assertion criteria provided. Collection method: clinical testing. Allele origin: paternal. Inheritance: Autosomal dominant inheritance. Affected: yes. Observed: 1 variant allele, 1 heterozygote.
Comment: ENST00000381750.4:c.370C>T, p.Gln124Ter, 370/1122 results in a premature truncation of the protein and thus scored as Pathogenic using ACMG criteria. It is absent from controls.